The following is an entry in ClinVar:

NM_030930.4(UNC93B1):c.323A>C (p.Asp108Ala)

Gene: UNC93B1 (unc-93B1 regulator of TLR signaling; minus strand). Cytogenetic location: 11q13.2.
Variant type: single nucleotide variant.
Coding change: c.323A>C on transcript NM_030930.4 (MANE Select); coding-DNA position 323, A replaced by C.
Protein change: p.Asp108Ala; replaces aspartic acid 108 with alanine.
Molecular consequence: missense variant.
Genome position (GRCh38, 1-based): chr11:68,003,091, T>G on the plus strand (A>C on the coding strand, the complement: UNC93B1 is on the minus strand). VCF-style: chr11-68003091-T-G. GRCh37 (hg19) VCF-style: chr11-67770561-T-G.
Other names: short protein forms D108A.
Identifiers: ClinVar variation 1464206 (VCV001464206.5), dbSNP rs2134367623, ClinGen allele CA381578224.

ClinVar aggregate classification (germline): Uncertain significance (1 of 4 stars; one submission).

Conditions:
Encephalopathy, acute, infection-induced (herpes-specific), susceptibility to, 1. Also called: Herpes simplex encephalitis, susceptibility to, 1. Identifiers: Orphanet 1930, MedGen C2750180, MONDO:0024563, OMIM 610551.

Submission:

Labcorp Genetics (formerly Invitae), Labcorp
Classification: Uncertain significance for Encephalopathy, acute, infection-induced (herpes-specific), susceptibility to, 1. Last evaluated: 2022-02-05. Review status: criteria provided, single submitter. Criteria: Invitae Variant Classification Sherloc (09022015). Collection method: clinical testing. Allele origin: germline.
Comment: Experimental studies and prediction algorithms are not available or were not evaluated, and the functional significance of this variant is currently unknown. In summary, the available evidence is currently insufficient to determine the role of this variant in disease. Therefore, it has been classified as a Variant of Uncertain Significance. This variant has not been reported in the literature in individuals affected with UNC93B1-related conditions. This variant is not present in population databases (gnomAD no frequency). This sequence change replaces aspartic acid, which is acidic and polar, with alanine, which is neutral and non-polar, at codon 108 of the UNC93B1 protein (p.Asp108Ala).